The following is an entry in ClinVar:

NM_000548.5(TSC2):c.1718C>G (p.Thr573Ser)

Gene: TSC2 (TSC complex subunit 2; plus strand). Cytogenetic location: 16p13.3.
Variant type: single nucleotide variant.
Coding change: c.1718C>G on transcript NM_000548.5 (MANE Select); coding-DNA position 1718, C replaced by G.
Protein change: p.Thr573Ser; replaces threonine 573 with serine.
Molecular consequence: missense variant. On other transcripts: non-coding transcript variant (5).
Genome position (GRCh38, 1-based): chr16:2,070,457, C>G. VCF-style: chr16-2070457-C-G. GRCh37 (hg19) VCF-style: chr16-2120458-C-G.
Other names: c.1808C>G, p.Thr603Ser (NM_001406668.1, NM_001406667.1); c.1607C>G, p.Thr536Ser (NM_001406670.1, NM_001406678.1, NM_001318827.2); c.1706C>G, p.Thr569Ser (NM_001406671.1, NM_001406673.1); c.1571C>G, p.Thr524Ser (NM_001406675.1, NM_001406676.1, NM_001406679.1 and 1 more transcripts); c.1661C>G, p.Thr554Ser (NM_001406677.1); c.1118C>G, p.Thr373Ser (NM_001406680.1, NM_001318831.2, NM_001406682.1 and 6 more transcripts); c.374C>G, p.Thr125Ser (NM_001406690.1, NM_001406691.1, NM_001406692.1 and 6 more transcripts); c.116C>G, p.Thr39Ser (NM_001406698.1); and 3 more; short protein forms T39S, T524S, T536S, T569S, T573S, T125S, T419S, T584S.
Identifiers: ClinVar variation 3329462 (VCV003329462.2).

ClinVar aggregate classification (germline): Uncertain significance. Review status: criteria provided, multiple submitters, no conflicts (2 of 4 stars). 2 submissions from 2 submitters: Uncertain significance (2). Last evaluated 2025-11-20.

Conditions:
Hereditary cancer-predisposing syndrome. Also called: Hereditary Cancer Syndrome; Tumor predisposition; Neoplastic Syndromes, Hereditary; Hereditary neoplastic syndrome. Identifiers: Orphanet 140162, MedGen C0027672, MeSH D009386, MONDO:0015356.
Tuberous sclerosis 2 (TSC2). Identifiers: Orphanet 805, MedGen C1860707, MONDO:0013199, OMIM 613254.

Submissions (2):

Labcorp Genetics (formerly Invitae), Labcorp
Classification: Uncertain significance for Tuberous sclerosis 2. Last evaluated: 2025-11-20. Review status: criteria provided, single submitter. Criteria: Invitae Variant Classification Sherloc (09022015). Collection method: clinical testing. Allele origin: germline.
Comment: This sequence change replaces threonine, which is neutral and polar, with serine, which is neutral and polar, at codon 573 of the TSC2 protein (p.Thr573Ser). This variant is not present in population databases (gnomAD no frequency). This variant has not been reported in the literature in individuals affected with TSC2-related conditions. ClinVar contains an entry for this variant (Variation ID: 3329462). An algorithm developed to predict the effect of missense changes on protein structure and function (PolyPhen-2) suggests that this variant is likely to be tolerated. In summary, the available evidence is currently insufficient to determine the role of this variant in disease. Therefore, it has been classified as a Variant of Uncertain Significance.

Ambry Genetics
Classification: Uncertain significance for Hereditary cancer-predisposing syndrome. Last evaluated: 2024-06-01. Review status: criteria provided, single submitter. Criteria: Ambry Variant Classification Scheme 2023. Collection method: clinical testing. Allele origin: germline.
Comment: The p.T573S variant (also known as c.1718C>G), located in coding exon 16 of the TSC2 gene, results from a C to G substitution at nucleotide position 1718. The threonine at codon 573 is replaced by serine, an amino acid with similar properties. This amino acid position is conserved. In addition, the in silico prediction for this alteration is inconclusive. Based on the available evidence, the clinical significance of this variant remains unclear.